The following is an entry in ClinVar:

NM_024580.6(EFL1):c.3203C>T (p.Pro1068Leu)

Gene: EFL1 (elongation factor like GTPase 1; minus strand). Cytogenetic location: 15q25.2.
Variant type: single nucleotide variant.
Coding change: c.3203C>T on transcript NM_024580.6 (MANE Select); coding-DNA position 3203, C replaced by T.
Protein change: p.Pro1068Leu; replaces proline 1068 with leucine.
Molecular consequence: missense variant. On other transcripts: non-coding transcript variant (1).
Genome position (GRCh38, 1-based): chr15:82,130,533, G>A on the plus strand (C>T on the coding strand, the complement: EFL1 is on the minus strand). VCF-style: chr15-82130533-G-A. GRCh37 (hg19) VCF-style: chr15-82422874-G-A.
Other names: c.3050C>T, p.Pro1017Leu (NM_001040610.3); c.2414C>T, p.Pro805Leu (NM_001322844.2); c.3203C>T, p.Pro1068Leu (NM_001322845.2); short protein forms P1068L, P805L, P1017L.
Identifiers: ClinVar variation 1522707 (VCV001522707.8), dbSNP rs2073628880, ClinGen allele CA393280715.

ClinVar aggregate classification (germline): Uncertain significance (1 of 4 stars; one submission).

Submission:

Labcorp Genetics (formerly Invitae), Labcorp
Classification: Uncertain significance. Last evaluated: 2022-02-20. Review status: criteria provided, single submitter. Criteria: Invitae Variant Classification Sherloc (09022015). Collection method: clinical testing. Allele origin: germline.
Comment: In summary, the available evidence is currently insufficient to determine the role of this variant in disease. Therefore, it has been classified as a Variant of Uncertain Significance. Algorithms developed to predict the effect of missense changes on protein structure and function (SIFT, PolyPhen-2, Align-GVGD) all suggest that this variant is likely to be disruptive. This variant has not been reported in the literature in individuals affected with EFL1-related conditions. This variant is not present in population databases (gnomAD no frequency). This sequence change replaces proline, which is neutral and non-polar, with leucine, which is neutral and non-polar, at codon 1068 of the EFL1 protein (p.Pro1068Leu).